The following is an entry in ClinVar:

NM_000388.4(CASR):c.2275G>A (p.Glu759Lys)

Gene: CASR (calcium sensing receptor; plus strand). Cytogenetic location: 3q21.1.
Variant type: single nucleotide variant.
Coding change: c.2275G>A on transcript NM_000388.4 (MANE Select); coding-DNA position 2275, G replaced by A.
Protein change: p.Glu759Lys; replaces glutamic acid 759 with lysine.
Molecular consequence: missense variant.
Genome position (GRCh38, 1-based): chr3:122,284,229, G>A. VCF-style: chr3-122284229-G-A. GRCh37 (hg19) VCF-style: chr3-122003076-G-A.
Other names: c.2305G>A, p.Glu769Lys (NM_001178065.2); short protein forms E769K, E759K.
Identifiers: ClinVar variation 1788851 (VCV001788851.5), dbSNP rs2473279145, ClinGen allele CA354159269.
Genomic context (GRCh38, chr3:122,284,229, plus strand): 5'-TGTGTGATCTGGCTCTACACCGCGCCCCCGTCAAGCTACCGCAACCAGGAGCTGGAGGAT[G>A]AGATCATCTTCATCACGTGCCACGAGGGCTCCCTCATGGCCCTGGGCTTCCTGATCGGCT-3'
Protein context (NP_000379.3, residues 749-769): SSYRNQELED[Glu759Lys]IIFITCHEGS

ClinVar aggregate classification (germline): Uncertain significance. Review status: criteria provided, multiple submitters, no conflicts (2 of 4 stars). 2 submissions from 2 submitters: Uncertain significance (2). Last evaluated 2023-04-07.

Conditions:
Familial hypocalciuric hypercalcemia (FHH). Also called: Familial benign hypercalcemia. Identifiers: Orphanet 405, MedGen C1809471, MONDO:0018458.
Autosomal dominant hypocalcemia 1 (HYPOC1). Also called: HYPOCALCEMIA, FAMILIAL. Identifiers: MedGen C3715128, MONDO:0011013, OMIM 601198.
Nephrolithiasis/nephrocalcinosis. Identifiers: MedGen CN580796.

Submissions (2):

Labcorp Genetics (formerly Invitae), Labcorp
Classification: Uncertain significance for Familial hypocalciuric hypercalcemia; Autosomal dominant hypocalcemia 1. Last evaluated: 2023-04-07. Review status: criteria provided, single submitter. Criteria: Invitae Variant Classification Sherloc (09022015). Collection method: clinical testing. Allele origin: germline.
Comment: In summary, the available evidence is currently insufficient to determine the role of this variant in disease. Therefore, it has been classified as a Variant of Uncertain Significance. An algorithm developed to predict the effect of missense changes on protein structure and function (PolyPhen-2) suggests that this variant is likely to be disruptive. ClinVar contains an entry for this variant (Variation ID: 1788851). This variant has not been reported in the literature in individuals affected with CASR-related conditions. This variant is not present in population databases (gnomAD no frequency). This sequence change replaces glutamic acid, which is acidic and polar, with lysine, which is basic and polar, at codon 759 of the CASR protein (p.Glu759Lys).

Ambry Genetics
Classification: Uncertain significance for Nephrolithiasis/nephrocalcinosis. Last evaluated: 2021-10-26. Review status: criteria provided, single submitter. Criteria: Ambry Variant Classification Scheme 2023. Collection method: clinical testing. Allele origin: germline.
Comment: The p.E759K variant (also known as c.2275G>A), located in coding exon 6 of the CASR gene, results from a G to A substitution at nucleotide position 2275. The glutamic acid at codon 759 is replaced by lysine, an amino acid with similar properties. This amino acid position is conserved. In addition, this alteration is predicted to be deleterious by in silico analysis. Since supporting evidence is limited at this time, the clinical significance of this alteration remains unclear.